The following is an entry in ClinVar:

NM_001243133.2(NLRP3):c.1246G>A (p.Val416Met)

Gene: NLRP3 (NLR family pyrin domain containing 3; plus strand). Cytogenetic location: 1q44.
Variant type: single nucleotide variant.
Coding change: c.1246G>A on transcript NM_001243133.2 (MANE Select); coding-DNA position 1246, G replaced by A.
Protein change: p.Val416Met; replaces valine 416 with methionine.
Molecular consequence: missense variant.
Genome position (GRCh38, 1-based): chr1:247,424,695, G>A. VCF-style: chr1-247424695-G-A. GRCh37 (hg19) VCF-style: chr1-247587997-G-A.
Other names: c.1246G>A, p.Val416Met (NM_001079821.3, NM_001127461.3, NM_001127462.3 and 1 more transcripts); c.1252G>A, p.Val418Met (NM_004895.5); short protein forms V416M, V418M.
Identifiers: ClinVar variation 1985408 (VCV001985408.6), dbSNP rs760600767, ClinGen allele CA1495003.
Genomic context (GRCh38, chr1:247,424,695, plus strand): 5'-CTGATTCAGGAGAACGAGGTCCTCTTCACCATGTGCTTCATCCCCCTGGTCTGCTGGATC[G>A]TGTGCACTGGACTGAAACAGCAGATGGAGAGTGGCAAGAGCCTTGCCCAGACATCCAAGA-3'
Protein context (NP_001230062.1, residues 406-426): MCFIPLVCWI[Val416Met]CTGLKQQMES

ClinVar aggregate classification (germline): Uncertain significance. Review status: criteria provided, multiple submitters, no conflicts (2 of 4 stars). 3 submissions from 3 submitters: Uncertain significance (3). Last evaluated 2024-02-17.

Conditions:
Cryopyrin associated periodic syndrome (CAPS). Identifiers: Orphanet 208650, MedGen C2316212, MONDO:0016168.
Inborn genetic diseases. Identifiers: MedGen C0950123, MeSH D030342.

Allele frequency attached by ClinVar (database versions not stated): gnomAD exomes below 0.00001; gnomAD 0.00001; TOPMed 0.00001.
gnomAD v4.1: 9 of 1,614,080 alleles (0.00056%); highest among the groups gnomAD compares: Admixed American, 0.0017%; no homozygotes.

Submissions (3):

Labcorp Genetics (formerly Invitae), Labcorp
Classification: Uncertain significance for Cryopyrin associated periodic syndrome. Last evaluated: 2024-02-17. Review status: criteria provided, single submitter. Criteria: Invitae Variant Classification Sherloc (09022015). Collection method: clinical testing. Allele origin: germline.
Comment: This sequence change replaces valine, which is neutral and non-polar, with methionine, which is neutral and non-polar, at codon 418 of the NLRP3 protein (p.Val418Met). This variant is present in population databases (rs760600767, gnomAD 0.01%). This variant has not been reported in the literature in individuals affected with NLRP3-related conditions. ClinVar contains an entry for this variant (Variation ID: 1985408). Advanced modeling of protein sequence and biophysical properties (such as structural, functional, and spatial information, amino acid conservation, physicochemical variation, residue mobility, and thermodynamic stability) performed at Invitae indicates that this missense variant is expected to disrupt NLRP3 protein function with a positive predictive value of 80%. In summary, the available evidence is currently insufficient to determine the role of this variant in disease. Therefore, it has been classified as a Variant of Uncertain Significance.

GeneDx
Classification: Uncertain significance. Last evaluated: 2022-12-22. Review status: criteria provided, single submitter. Criteria: GeneDx Variant Classification Process June 2021. Collection method: clinical testing. Allele origin: germline. Affected: yes.
Comment: In silico analysis supports that this missense variant does not alter protein structure/function; Has not been previously published as pathogenic or benign to our knowledge; This variant is associated with the following publications: (PMID: 19302049)

Ambry Genetics
Classification: Uncertain significance for Inborn genetic diseases. Last evaluated: 2021-07-13. Review status: criteria provided, single submitter. Criteria: Ambry Variant Classification Scheme 2023. Collection method: clinical testing. Allele origin: germline.